The following is an entry in ClinVar:

ClinVar aggregate classification (germline): Uncertain significance. Review status: criteria provided, multiple submitters, no conflicts (2 of 4 stars). 2 submissions from 2 submitters: Uncertain significance (2). Last evaluated 2021-11-15.

Conditions:
Familial thoracic aortic aneurysm and aortic dissection (TAAD). Also called: Thoracic aortic aneurysms and dissections. Identifiers: Orphanet 91387, MedGen C4707243, MONDO:0019625.
Ehlers-Danlos syndrome, kyphoscoliotic type 1 (EDSKSCL1). Also called: PLOD1-Related Kyphoscoliotic Ehlers-Danlos Syndrome; Ehlers-Danlos syndrome, hydroxylysine-deficient; EHLERS-DANLOS SYNDROME, TYPE VIA; EHLERS-DANLOS SYNDROME, OCULAR-SCOLIOTIC TYPE. Identifiers: Orphanet 1900, MedGen C0268342, MONDO:0016002, OMIM 225400. Disease mechanism: loss of function.

Allele frequency attached by ClinVar (database versions not stated): gnomAD exomes below 0.00001 and 0.00001; ExAC 0.00001; gnomAD 0.00001; TOPMed 0.00001.
gnomAD v4.1: 12 of 1,613,610 alleles (0.00074%); highest among the groups gnomAD compares: Admixed American, 0.0017%; no homozygotes.

Submissions (2):

Ambry Genetics
Classification: Uncertain significance for Familial thoracic aortic aneurysm and aortic dissection. Last evaluated: 2021-11-15. Review status: criteria provided, single submitter. Criteria: Ambry Variant Classification Scheme 2023. Collection method: clinical testing. Allele origin: germline.
Comment: The p.N197S variant (also known as c.590A>G), located in coding exon 6 of the PLOD1 gene, results from an A to G substitution at nucleotide position 590. The asparagine at codon 197 is replaced by serine, an amino acid with highly similar properties. This amino acid position is conserved. In addition, this alteration is predicted to be tolerated by in silico analysis. Since supporting evidence is limited at this time, the clinical significance of this alteration remains unclear.

Labcorp Genetics (formerly Invitae), Labcorp
Classification: Uncertain significance for Ehlers-Danlos syndrome, kyphoscoliotic type 1. Last evaluated: 2021-08-24. Review status: criteria provided, single submitter. Criteria: Invitae Variant Classification Sherloc (09022015). Collection method: clinical testing. Allele origin: germline.
Comment: This sequence change replaces asparagine with serine at codon 197 of the PLOD1 protein (p.Asn197Ser). The asparagine residue is highly conserved and there is a small physicochemical difference between asparagine and serine. This variant is present in population databases (rs750416079, ExAC 0.002%). This variant has not been reported in the literature in individuals affected with PLOD1-related conditions. Algorithms developed to predict the effect of missense changes on protein structure and function are either unavailable or do not agree on the potential impact of this missense change (SIFT: "Tolerated"; PolyPhen-2: "Possibly Damaging"; Align-GVGD: "Class C0"). In summary, the available evidence is currently insufficient to determine the role of this variant in disease. Therefore, it has been classified as a Variant of Uncertain Significance.

NM_000302.4(PLOD1):c.590A>G (p.Asn197Ser)

Gene: PLOD1 (procollagen-lysine,2-oxoglutarate 5-dioxygenase 1; plus strand). Cytogenetic location: 1p36.22.
Variant type: single nucleotide variant.
Coding change: c.590A>G on transcript NM_000302.4 (MANE Select); coding-DNA position 590, A replaced by G.
Protein change: p.Asn197Ser; replaces asparagine 197 with serine.
Molecular consequence: missense variant.
Genome position (GRCh38, 1-based): chr1:11,954,840, A>G. VCF-style: chr1-11954840-A-G. GRCh37 (hg19) VCF-style: chr1-12014897-A-G.
Other names: c.731A>G, p.Asn244Ser (NM_001316320.2); short protein forms N244S, N197S.
Identifiers: ClinVar variation 952367 (VCV000952367.9), dbSNP rs750416079, ClinGen allele CA598004.